The following is an entry in ClinVar:

NM_004281.4(BAG3):c.1630G>C (p.Asp544His)

Gene: BAG3 (BAG cochaperone 3; plus strand). Cytogenetic location: 10q26.11.
Variant type: single nucleotide variant.
Coding change: c.1630G>C on transcript NM_004281.4 (MANE Select); coding-DNA position 1630, G replaced by C.
Protein change: p.Asp544His; replaces aspartic acid 544 with histidine.
Molecular consequence: missense variant.
Genome position (GRCh38, 1-based): chr10:119,677,184, G>C. VCF-style: chr10-119677184-G-C. GRCh37 (hg19) VCF-style: chr10-121436696-G-C.
Other names: short protein forms D544H.
Identifiers: ClinVar variation 191015 (VCV000191015.8), dbSNP rs786205466, ClinGen allele CA235821.
Genomic context (GRCh38, chr10:119,677,184, plus strand): 5'-ATCATGGAGATGGGTGCCGTGGCAGCAGACAAGGGCAAGAAAAATGCTGGAAATGCAGAA[G>C]ATCCCCACACAGAAACCCAGCAGCCAGAAGCCACAGCAGCAGCGACTTCAAACCCCAGCA-3'
Protein context (NP_004272.2, residues 534-554): KGKKNAGNAE[Asp544His]PHTETQQPEA

ClinVar aggregate classification (germline): Uncertain significance. Review status: criteria provided, multiple submitters, no conflicts (2 of 4 stars). 4 submissions from 4 submitters: Uncertain significance (4). Last evaluated 2026-03-12.

Conditions:
Myofibrillar myopathy 6. Identifiers: Orphanet 199340, MedGen C2751831, MONDO:0013061, OMIM 612954.
Dilated cardiomyopathy 1HH (CMD1HH). Identifiers: Orphanet 154, MedGen C3151293, MONDO:0013479, OMIM 613881.
Cardiovascular phenotype. Identifiers: MedGen CN230736.

gnomAD v4.1: 1 of 1,614,142 alleles (0.000062%); highest among the groups gnomAD compares: Middle Eastern, 0.016%; no homozygotes.

Submissions (4):

Ambry Genetics
Classification: Uncertain significance for Cardiovascular phenotype. Last evaluated: 2026-03-12. Review status: criteria provided, single submitter. Criteria: Ambry Variant Classification Scheme 2023. Collection method: clinical testing. Allele origin: germline.
Comment: The p.D544H variant (also known as c.1630G>C), located in coding exon 4 of the BAG3 gene, results from a G to C substitution at nucleotide position 1630. The aspartic acid at codon 544 is replaced by histidine, an amino acid with similar properties. This amino acid position is conserved. In addition, this alteration is predicted to be tolerated by in silico analysis. Based on the available evidence, the clinical significance of this variant remains unclear.

Labcorp Genetics (formerly Invitae), Labcorp
Classification: Uncertain significance for Dilated cardiomyopathy 1HH; Myofibrillar myopathy 6. Last evaluated: 2025-01-05. Review status: criteria provided, single submitter. Criteria: Invitae Variant Classification Sherloc (09022015). Collection method: clinical testing. Allele origin: germline.
Comment: This sequence change replaces aspartic acid, which is acidic and polar, with histidine, which is basic and polar, at codon 544 of the BAG3 protein (p.Asp544His). This variant is not present in population databases (gnomAD no frequency). This variant has not been reported in the literature in individuals affected with BAG3-related conditions. ClinVar contains an entry for this variant (Variation ID: 191015). Invitae Evidence Modeling of protein sequence and biophysical properties (such as structural, functional, and spatial information, amino acid conservation, physicochemical variation, residue mobility, and thermodynamic stability) indicates that this missense variant is not expected to disrupt BAG3 protein function with a negative predictive value of 80%. In summary, the available evidence is currently insufficient to determine the role of this variant in disease. Therefore, it has been classified as a Variant of Uncertain Significance.

Genomic Medicine Center of Excellence, King Faisal Specialist Hospital and Research Centre
Classification: Uncertain significance. Last evaluated: 2024-04-09. Review status: criteria provided, single submitter. Criteria: ACMG Guidelines, 2015. Collection method: research. Allele origin: germline. Affected: yes.
Comment: Downgraded to VUS based on high updated frequency

GeneDx
Classification: Uncertain significance. Last evaluated: 2019-11-11. Review status: criteria provided, single submitter. Criteria: GeneDx Variant Classification Process June 2021. Collection method: clinical testing. Allele origin: germline. Affected: yes.
Comment: Has not been previously published as pathogenic or benign to our knowledge; Not observed in large population cohorts (Lek et al., 2016); Reported in ClinVar as a variant of uncertain significance (ClinVar Variant ID# 191015; Landrum et al., 2016); In silico analysis, which includes protein predictors and evolutionary conservation, supports that this variant does not alter protein structure/function